The following is an entry in ClinVar:

ClinVar aggregate classification (germline): Likely benign (1 of 4 stars; one submission).

Submission:

GeneDx
Classification: Likely benign. Last evaluated: 2017-05-05. Review status: criteria provided, single submitter. Criteria: GeneDx Variant Classification (06012015). Collection method: clinical testing. Allele origin: germline. Affected: yes.
Comment: This variant is considered likely benign or benign based on one or more of the following criteria: it is a conservative change, it occurs at a poorly conserved position in the protein, it is predicted to be benign by multiple in silico algorithms, and/or has population frequency not consistent with disease.

NM_000090.4(COL3A1):c.2823+20dup

Gene: COL3A1 (collagen type III alpha 1 chain; plus strand). Cytogenetic location: 2q32.2.
Variant type: Duplication.
Coding change: c.2823+20dup on transcript NM_000090.4 (MANE Select); 20 bases into the intron after coding-DNA position 2823, one base duplicated (T; older notation c.2823+20dupT).
Molecular consequence: intron variant.
Genome position (GRCh38, 1-based): chr2:189,004,163, T duplicated; the last of 7 consecutive T bases (chr2:189,004,157-189,004,163); duplicating any one gives the same sequence. VCF-style (leftmost placement, unchanged base first): chr2-189004156-A-AT. GRCh37 (hg19) VCF-style: chr2-189868882-A-AT.
Other names: c.2823+20dupT (NM_000090.3).
Identifiers: ClinVar variation 509429 (VCV000509429.1), dbSNP rs1553509197, ClinGen allele CA658796121.